The following is an entry in ClinVar:

NM_001126121.2(SLC25A19):c.476_477delinsTT (p.Arg159Leu)

Gene: SLC25A19 (solute carrier family 25 member 19; minus strand). Cytogenetic location: 17q25.1.
Variant type: Indel.
Coding change: c.476_477delinsTT on transcript NM_001126121.2 (MANE Select); coding-DNA positions 476 to 477, GC replaced by TT.
Protein change: p.Arg159Leu; replaces arginine 159 with leucine.
Molecular consequence: missense variant.
Genome position (GRCh38, 1-based): chr17:75,278,318-75,278,319, GC replaced by AA on the plus strand (GC replaced by TT on the coding strand, the reverse complement: SLC25A19 is on the minus strand). VCF-style: chr17-75278318-GC-AA. GRCh37 (hg19) VCF-style: chr17-73274399-GC-AA.
Other names: c.476_477delinsTT, p.Arg159Leu (NM_001126122.2, NM_021734.5); short protein forms R159L.
Identifiers: ClinVar variation 1994780 (VCV001994780.4), dbSNP rs2545167260, ClinGen allele CA2580095148.

ClinVar aggregate classification (germline): Uncertain significance (1 of 4 stars; one submission).

Submission:

Labcorp Genetics (formerly Invitae), Labcorp
Classification: Uncertain significance. Last evaluated: 2022-05-25. Review status: criteria provided, single submitter. Criteria: Invitae Variant Classification Sherloc (09022015). Collection method: clinical testing. Allele origin: germline.
Comment: This sequence change replaces arginine, which is basic and polar, with leucine, which is neutral and non-polar, at codon 159 of the SLC25A19 protein (p.Arg159Leu). Information on the frequency of this variant in the gnomAD database is not available, as this variant may be reported differently in the database. This variant has not been reported in the literature in individuals affected with SLC25A19-related conditions. Algorithms developed to predict the effect of missense changes on protein structure and function are either unavailable or do not agree on the potential impact of this missense change (SIFT: "Not Available"; PolyPhen-2: "Benign"; Align-GVGD: "Not Available"). In summary, the available evidence is currently insufficient to determine the role of this variant in disease. Therefore, it has been classified as a Variant of Uncertain Significance.